The following is an entry in ClinVar:

NM_014714.4(IFT140):c.2305G>A (p.Asp769Asn)

Gene: IFT140 (intraflagellar transport 140; minus strand). Cytogenetic location: 16p13.3.
Variant type: single nucleotide variant.
Coding change: c.2305G>A on transcript NM_014714.4 (MANE Select); coding-DNA position 2305, G replaced by A.
Protein change: p.Asp769Asn; replaces aspartic acid 769 with asparagine.
Molecular consequence: missense variant.
Genome position (GRCh38, 1-based): chr16:1,558,029, C>T on the plus strand (G>A on the coding strand, the complement: IFT140 is on the minus strand). VCF-style: chr16-1558029-C-T. GRCh37 (hg19) VCF-style: chr16-1608030-C-T.
Other names: short protein forms D769N.
Identifiers: ClinVar variation 3652734 (VCV003652734.3).

ClinVar aggregate classification (germline): Uncertain significance. Review status: criteria provided, multiple submitters, no conflicts (2 of 4 stars). 2 submissions from 2 submitters: Uncertain significance (2). Last evaluated 2025-09-30.

Conditions:
Saldino-Mainzer syndrome (SRTD9). Also called: short-rib thoracic dysplasia 9 with or without polydactyly; CONORENAL SYNDROME; Renal dysplasia, retinal pigmentary dystrophy, cerebellar ataxia and skeletal dysplasia; SHORT-RIB THORACIC DYSPLASIA 9 WITHOUT POLYDACTYLY. Identifiers: Orphanet 140969, MedGen C1849437, MONDO:0009964, OMIM 266920.

gnomAD v4.1: 14 of 1,613,874 alleles (0.00087%); highest among the groups gnomAD compares: Admixed American, 0.0017%; no homozygotes.

Submissions (2):

Labcorp Genetics (formerly Invitae), Labcorp
Classification: Uncertain significance for Saldino-Mainzer syndrome. Last evaluated: 2025-09-30. Review status: criteria provided, single submitter. Criteria: Invitae Variant Classification Sherloc (09022015). Collection method: clinical testing. Allele origin: germline.
Comment: This sequence change replaces aspartic acid, which is acidic and polar, with asparagine, which is neutral and polar, at codon 769 of the IFT140 protein (p.Asp769Asn). This variant is present in population databases (rs150004786, gnomAD 0.003%). This variant has not been reported in the literature in individuals affected with IFT140-related conditions. ClinVar contains an entry for this variant (Variation ID: 3652734). Invitae Evidence Modeling of protein sequence and biophysical properties (such as structural, functional, and spatial information, amino acid conservation, physicochemical variation, residue mobility, and thermodynamic stability) indicates that this missense variant is not expected to disrupt IFT140 protein function with a negative predictive value of 80%. In summary, the available evidence is currently insufficient to determine the role of this variant in disease. Therefore, it has been classified as a Variant of Uncertain Significance.

Blueprint Genetics
Classification: Uncertain significance. Last evaluated: 2020-05-18. Review status: criteria provided, single submitter. Criteria: ACMG Guidelines, 2015. Collection method: clinical testing. Allele origin: germline.